The following is an entry in ClinVar:

NM_024675.4(PALB2):c.1603A>G (p.Ser535Gly)

Gene: PALB2 (partner and localizer of BRCA2; minus strand). Cytogenetic location: 16p12.2.
Variant type: single nucleotide variant.
Coding change: c.1603A>G on transcript NM_024675.4 (MANE Select); coding-DNA position 1603, A replaced by G.
Protein change: p.Ser535Gly; replaces serine 535 with glycine.
Molecular consequence: missense variant.
Genome position (GRCh38, 1-based): chr16:23,634,943, T>C on the plus strand (A>G on the coding strand, the complement: PALB2 is on the minus strand). VCF-style: chr16-23634943-T-C. GRCh37 (hg19) VCF-style: chr16-23646264-T-C.
Other names: c.1543A>G, p.Ser515Gly (NM_001407296.1); c.1603A>G, p.Ser535Gly (NM_001407297.1, NM_001407298.1, NM_001407299.1 and 3 more transcripts); c.718A>G, p.Ser240Gly (NM_001407304.1, NM_001407305.1, NM_001407306.1 and 5 more transcripts); short protein forms S240G, S535G, S515G.
Identifiers: ClinVar variation 1776218 (VCV001776218.6), dbSNP rs2142411421, ClinGen allele CA395130513.

ClinVar aggregate classification (germline): Conflicting classifications of pathogenicity. Review status: criteria provided, conflicting classifications (1 of 4 stars). 3 submissions from 3 submitters: Uncertain significance (1); Likely benign (2). Last evaluated 2025-03-04.

Conditions:
Hereditary cancer-predisposing syndrome. Also called: Neoplastic Syndromes, Hereditary; Tumor predisposition; Hereditary Cancer Syndrome; Hereditary neoplastic syndrome. Identifiers: Orphanet 140162, MedGen C0027672, MeSH D009386, MONDO:0015356.

Allele frequency attached by ClinVar (database versions not stated): gnomAD exomes below 0.00001.
gnomAD v4.1: 2 of 1,614,210 alleles (0.00012%); highest among the groups gnomAD compares: East Asian, 0.0022%; no homozygotes.

Submissions (3):

Center for Genomic Medicine, Rigshospitalet, Copenhagen University Hospital
Classification: Likely benign. Last evaluated: 2025-03-04. Review status: criteria provided, single submitter. Criteria: ACMG Guidelines, 2015. Collection method: clinical testing. Allele origin: germline.

Color Diagnostics, LLC DBA Color Health
Classification: Uncertain significance for Hereditary cancer-predisposing syndrome. Last evaluated: 2022-03-17. Review status: criteria provided, single submitter. Criteria: ACMG Guidelines, 2015. Collection method: clinical testing. Allele origin: germline.
Comment: This missense variant replaces serine with glycine at codon 535 of the PALB2 protein. Computational prediction suggests that this variant may not impact protein structure and function (internally defined REVEL score threshold <= 0.5, PMID: 27666373). To our knowledge, functional studies have not been reported for this variant. This variant has not been reported in individuals affected with hereditary cancer in the literature. This variant has not been identified in the general population by the Genome Aggregation Database (gnomAD). The available evidence is insufficient to determine the role of this variant in disease conclusively. Therefore, this variant is classified as a Variant of Uncertain Significance.

Ambry Genetics
Classification: Likely benign for Hereditary cancer-predisposing syndrome. Last evaluated: 2021-11-18. Review status: criteria provided, single submitter. Criteria: Ambry Variant Classification Scheme 2023. Collection method: clinical testing. Allele origin: germline.